The following is an entry in ClinVar:

ClinVar aggregate classification (germline): Uncertain significance. Review status: reviewed by expert panel (3 of 4 stars). 5 submissions from 5 submitters: Uncertain significance (1). 4 of the submissions do not count toward it. Last evaluated 2025-08-01.

Conditions:
RYR1-related disorder. Also called: RYR1-related disorders; RYR1-related condition. Identifiers: MedGen CN239331.
Malignant hyperthermia of anesthesia. Also called: Anesthesic-triggered malignant hyperthermia. Identifiers: Orphanet 423, MedGen C0024591, MONDO:0018493, HP:0034733.
Malignant hyperthermia, susceptibility to, 1 (MHS1). Also called: RYR1-Related Malignant Hyperthermia Susceptibility; Malignant hyperthermia suceptibility 1; Anesthesia related hyperthermia; Malignant hyperpyrexia; Fulminating hyperpyrexia; Pharmacogenic myopathy. Identifiers: Orphanet 423, MedGen C2930980, MONDO:0007783, OMIM 145600.

Allele frequency attached by ClinVar (database versions not stated): gnomAD exomes below 0.00001.

Submissions (5):

ClinGen Malignant Hyperthermia Susceptibility Variant Curation Expert Panel, ClinGen
Classification: Uncertain significance for Malignant hyperthermia of anesthesia. Last evaluated: 2025-08-01. Review status: reviewed by expert panel. Criteria: ClinGen MHS ACMG Specifications V2. Collection method: curation. Allele origin: germline. Inheritance: Autosomal dominant inheritance.
Comment: This pathogenicity assessment is relevant only for malignant hyperthermia susceptibility (MHS) inherited in an autosomal dominant pattern. Variants in RYR1 can also cause other myopathies inherited in an autosomal dominant pattern or in an autosomal recessive pattern. Some of these disorders may predispose individuals to malignant hyperthermia. RYR1 variants may also contribute to a malignant hyperthermia reaction in combination with other genetic and non-genetic factors and the clinician needs to consider such factors in making management decisions. This sequence variant predicts a substitution of phenylalanine with serine at codon 4684 of the RYR1 protein, p.(Phe4684Ser). This variant was not present in a large population database (gnomAD) at the time this variant was interpreted. This variant has been reported in an individual with a personal or family history of an MH episode and a positive in vitro contracture test (IVCT) or caffeine halothane contracture test (CHCT) result (if the proband was unavailable for testing, a positive diagnostic test result in a mutation-positive relative was counted), PS4_Supporting (PMID: 16163667). No functional studies were identified for this variant. This variant resides in a region of RYR1 considered to be a hotspot for pathogenic variants that contribute to MHS, PM1_Sup (PMID: 21118704). A REVEL score >0.85 (0.982) supports a pathogenic status for this variant, PP3_Moderate. This variant has been classified as a Variant of Unknown Significance. Criteria implemented: PS4_Supporting, PM1_Supporting, PP3_Moderate.

Labcorp Genetics (formerly Invitae), Labcorp
Classification: Likely pathogenic for RYR1-related disorder. Last evaluated: 2024-12-20. Review status: criteria provided, single submitter. Criteria: Invitae Variant Classification Sherloc (09022015). Collection method: clinical testing. Allele origin: germline. Not counted in ClinVar's aggregate classification.
Comment: This sequence change replaces phenylalanine, which is neutral and non-polar, with serine, which is neutral and polar, at codon 4684 of the RYR1 protein (p.Phe4684Ser). This variant is not present in population databases (gnomAD no frequency). This missense change has been observed in individual(s) with malignant hyperthermia susceptibility (PMID: 16163667). ClinVar contains an entry for this variant (Variation ID: 133057). Invitae Evidence Modeling of protein sequence and biophysical properties (such as structural, functional, and spatial information, amino acid conservation, physicochemical variation, residue mobility, and thermodynamic stability) indicates that this missense variant is expected to disrupt RYR1 protein function with a positive predictive value of 80%. In summary, the currently available evidence indicates that the variant is pathogenic, but additional data are needed to prove that conclusively. Therefore, this variant has been classified as Likely Pathogenic.

Women's Health and Genetics/Laboratory Corporation of America, LabCorp
Classification: Uncertain significance. Last evaluated: 2024-08-15. Review status: criteria provided, single submitter. Criteria: LabCorp Variant Classification Summary - May 2015. Collection method: clinical testing. Allele origin: germline. Not counted in ClinVar's aggregate classification.
Comment: Variant summary: RYR1 c.14051T>C (p.Phe4684Ser) results in a non-conservative amino acid change in the encoded protein sequence. Five of five in-silico tools predict a damaging effect of the variant on protein function. The variant was absent in 251432 control chromosomes. The available data on variant occurrences in the general population are insufficient to allow any conclusion about variant significance. c.14051T>C has been reported in the literature in an individual affected with mallignant hyperthermia susceptibility (Monnier_2005). These data do not allow any conclusion about variant significance. To our knowledge, no experimental evidence demonstrating an impact on protein function has been reported. The following publication have been ascertained in the context of this evaluation (PMID: 16163667). ClinVar contains an entry for this variant (Variation ID: 133057). Based on the evidence outlined above, the variant was classified as uncertain significance.

All of Us Research Program, National Institutes of Health
Classification: Uncertain significance for Malignant hyperthermia, susceptibility to, 1. Last evaluated: 2023-12-18. Review status: criteria provided, single submitter. Criteria: ACMG Guidelines, 2015. Collection method: clinical testing. Allele origin: germline. Inheritance: Autosomal dominant inheritance. Observed: 1 variant allele, 1 heterozygote. Not counted in ClinVar's aggregate classification.
Comment: This missense variant replaces phenylalanine with serine at codon 4684 of the RYR1 protein. Computational prediction suggests that this variant may have deleterious impact on protein structure and function (internally defined REVEL score threshold >= 0.85, PMID: 27666373). This variant occurs in the C-terminal region (a.a. 4,631-4,991) of the RYR1 protein that is considered to be a hotspot for pathogenic variants that contribute to malignant hyperthermia susceptibility (PMID: 21118704). To our knowledge, functional studies have not been reported for this variant. This variant has been reported in an individual with a positive in vitro contracture test and a positive family or personal history of a malignant hyperthermia event (PMID: 16163667). It has also been observed in an individual with a positive in vitro contracture test and an uncertain personal or family history of a malignant hyperthermia event (PMID: 16835904). This variant has not been identified in the general population by the Genome Aggregation Database (gnomAD). The available evidence is insufficient to determine the role of this variant in disease conclusively. Therefore, this variant is classified as a Variant of Uncertain Significance.

This study involves interpretation of variants in research participants for the purpose of population health screening. Participant phenotype was not available at the time of variant classification. Additional details can be found in publication PMID: 35346344, PMCID: PMC8962531

RYR1 database
No classification provided. Review status: no classification provided. Collection method: not provided. Allele origin: unknown. Not counted in ClinVar's aggregate classification.

Literature cited by the submitters: PubMed 16163667 (cited by 3 submitters); PubMed 16835904 (cited by All of Us Research Program, National Institutes of Health); PubMed 21118704 (cited by All of Us Research Program, National Institutes of Health).

NM_000540.3(RYR1):c.14051T>C (p.Phe4684Ser)

Gene: RYR1 (ryanodine receptor 1; plus strand). Cytogenetic location: 19q13.2.
Variant type: single nucleotide variant.
Coding change: c.14051T>C on transcript NM_000540.3 (MANE Select); coding-DNA position 14051, T replaced by C.
Protein change: p.Phe4684Ser; replaces phenylalanine 4684 with serine.
Molecular consequence: missense variant.
Genome position (GRCh38, 1-based): chr19:38,573,229, T>C. VCF-style: chr19-38573229-T-C. GRCh37 (hg19) VCF-style: chr19-39063869-T-C.
Other names: c.14051T>C (NM_000540.2); c.14036T>C, p.Phe4679Ser (NM_001042723.2); short protein forms F4684S, F4679S.
Identifiers: ClinVar variation 133057 (VCV000133057.9), dbSNP rs193922864, ClinGen allele CA024101.